The following is an entry in ClinVar:

NM_000539.3(RHO):c.316G>T (p.Gly106Trp)

Gene: RHO (rhodopsin; plus strand). Cytogenetic location: 3q22.1.
Variant type: single nucleotide variant.
Coding change: c.316G>T on transcript NM_000539.3 (MANE Select); coding-DNA position 316, G replaced by T.
Protein change: p.Gly106Trp; replaces glycine 106 with tryptophan.
Molecular consequence: missense variant.
Genome position (GRCh38, 1-based): chr3:129,529,049, G>T. VCF-style: chr3-129529049-G-T. GRCh37 (hg19) VCF-style: chr3-129247892-G-T.
Other names: short protein forms G106W.
Identifiers: ClinVar variation 13022 (VCV000013022.11), dbSNP rs104893773, ClinGen allele CA256669.

ClinVar aggregate classification (germline): Pathogenic/Likely pathogenic. Review status: criteria provided, multiple submitters, no conflicts (2 of 4 stars). 3 submissions from 3 submitters: Pathogenic (1); Likely pathogenic (1). 1 of the submissions does not count toward it. Last evaluated 2023-10-11.

Conditions:
RHO-related disorder. Also called: RHO-related condition.
Retinitis pigmentosa 4 (RP4). Also called: RETINITIS PIGMENTOSA, RHODOPSIN-RELATED. Identifiers: Orphanet 791, MedGen C3151001, MONDO:0013395, OMIM 613731.

Submissions (3):

Labcorp Genetics (formerly Invitae), Labcorp
Classification: Pathogenic. Last evaluated: 2023-10-11. Review status: criteria provided, single submitter. Criteria: Invitae Variant Classification Sherloc (09022015). Collection method: clinical testing. Allele origin: germline.
Comment: This sequence change replaces glycine, which is neutral and non-polar, with tryptophan, which is neutral and slightly polar, at codon 106 of the RHO protein (p.Gly106Trp). This variant is not present in population databases (gnomAD no frequency). This missense change has been observed in individuals with autosomal dominant retinitis pigmentosa (PMID: 1862076, 11139241; Invitae). It has also been observed to segregate with disease in related individuals. ClinVar contains an entry for this variant (Variation ID: 13022). Advanced modeling of protein sequence and biophysical properties (such as structural, functional, and spatial information, amino acid conservation, physicochemical variation, residue mobility, and thermodynamic stability) performed at Invitae indicates that this missense variant is expected to disrupt RHO protein function. Experimental studies have shown that this missense change affects RHO function (PMID: 30977563). This variant disrupts the p.Gly106 amino acid residue in RHO. Other variant(s) that disrupt this residue have been determined to be pathogenic (PMID: 1301135, 8905849, 11094174, 28559085). This suggests that this residue is clinically significant, and that variants that disrupt this residue are likely to be disease-causing. For these reasons, this variant has been classified as Pathogenic.

Blueprint Genetics
Classification: Likely pathogenic for RHO-related disorders. Last evaluated: 2020-12-18. Review status: criteria provided, single submitter. Criteria: ACMG Guidelines, 2015. Collection method: clinical testing. Allele origin: germline. Affected: yes. Observed: 3 variant alleles.

OMIM
Classification: Pathogenic for RETINITIS PIGMENTOSA 4. Last evaluated: 1991-08-01. Review status: no assertion criteria provided. Collection method: literature only. Allele origin: germline. Not counted in ClinVar's aggregate classification.

Literature cited by the submitters: PubMed 1862076 (cited by Labcorp Genetics (formerly Invitae), Labcorp and OMIM); PubMed 11139241 (cited by Labcorp Genetics (formerly Invitae), Labcorp); PubMed 30977563 (cited by Labcorp Genetics (formerly Invitae), Labcorp); PubMed 1301135 (cited by Labcorp Genetics (formerly Invitae), Labcorp); PubMed 8905849 (cited by Labcorp Genetics (formerly Invitae), Labcorp); PubMed 11094174 (cited by Labcorp Genetics (formerly Invitae), Labcorp); PubMed 28559085 (cited by Labcorp Genetics (formerly Invitae), Labcorp).